The following is an entry in ClinVar:

ClinVar aggregate classification (germline): Uncertain significance (1 of 4 stars; one submission).

Submission:

Labcorp Genetics (formerly Invitae), Labcorp
Classification: Uncertain significance. Last evaluated: 2022-10-26. Review status: criteria provided, single submitter. Criteria: Invitae Variant Classification Sherloc (09022015). Collection method: clinical testing. Allele origin: germline.
Comment: In summary, the available evidence is currently insufficient to determine the role of this variant in disease. Therefore, it has been classified as a Variant of Uncertain Significance. Advanced modeling of protein sequence and biophysical properties (such as structural, functional, and spatial information, amino acid conservation, physicochemical variation, residue mobility, and thermodynamic stability) performed at Invitae indicates that this missense variant is not expected to disrupt NEFH protein function. This variant has not been reported in the literature in individuals affected with NEFH-related conditions. This variant is not present in population databases (gnomAD no frequency). This sequence change replaces histidine, which is basic and polar, with leucine, which is neutral and non-polar, at codon 353 of the NEFH protein (p.His353Leu).

NM_021076.4(NEFH):c.1058A>T (p.His353Leu)

Gene: NEFH (neurofilament heavy chain; plus strand). Cytogenetic location: 22q12.2.
Variant type: single nucleotide variant.
Coding change: c.1058A>T on transcript NM_021076.4 (MANE Select); coding-DNA position 1058, A replaced by T.
Protein change: p.His353Leu; replaces histidine 353 with leucine.
Molecular consequence: missense variant.
Genome position (GRCh38, 1-based): chr22:29,483,549, A>T. VCF-style: chr22-29483549-A-T. GRCh37 (hg19) VCF-style: chr22-29879538-A-T.
Other names: short protein forms H353L.
Identifiers: ClinVar variation 1722202 (VCV001722202.5), dbSNP rs2063025410, ClinGen allele CA411125710.